The following is an entry in ClinVar:

NM_001379500.1(COL18A1):c.787A>G (p.Arg263Gly)

Gene: COL18A1 (collagen type XVIII alpha 1 chain; plus strand). Cytogenetic location: 21q22.3.
Variant type: single nucleotide variant.
Coding change: c.787A>G on transcript NM_001379500.1 (MANE Select); coding-DNA position 787, A replaced by G.
Protein change: p.Arg263Gly; replaces arginine 263 with glycine.
Molecular consequence: missense variant.
Genome position (GRCh38, 1-based): chr21:45,475,524, A>G. VCF-style: chr21-45475524-A-G. GRCh37 (hg19) VCF-style: chr21-46895438-A-G.
Other names: c.1327A>G, p.Arg443Gly (NM_030582.4); c.2032A>G, p.Arg678Gly (NM_130444.3); short protein forms R678G, R263G, R443G.
Identifiers: ClinVar variation 1360614 (VCV001360614.4), dbSNP rs767501139, ClinGen allele CA10065897.
Genomic context (GRCh38, chr21:45,475,524, plus strand): 5'-CAAACTCCTCAGGCATCCGGAGACTCTGGCAGCGGGCTCGGGGACGCCCGGGAGCTTCTC[A>G]GGGAGGAGACGGTGAGTAGCCGGACGGGGCCCAGCCCACGCTGCAGGGTCCCGGGAGAGC-3'
Protein context (NP_001366429.1, residues 253-273): SGLGDARELL[Arg263Gly]EETGAALKPR

ClinVar aggregate classification (germline): Uncertain significance (1 of 4 stars; one submission).

Allele frequency attached by ClinVar (database versions not stated): TOPMed below 0.00001; gnomAD exomes 0.00001.
gnomAD v4.1: 17 of 1,606,694 alleles (0.0011%); highest among the groups gnomAD compares: South Asian, 0.0045%; no homozygotes.

Submission:

Labcorp Genetics (formerly Invitae), Labcorp
Classification: Uncertain significance. Last evaluated: 2020-12-29. Review status: criteria provided, single submitter. Criteria: Invitae Variant Classification Sherloc (09022015). Collection method: clinical testing. Allele origin: germline.
Comment: This sequence change replaces arginine with glycine at codon 263 of the COL18A1 protein (p.Arg263Gly). The arginine residue is weakly conserved and there is a moderate physicochemical difference between arginine and glycine. In summary, the available evidence is currently insufficient to determine the role of this variant in disease. Therefore, it has been classified as a Variant of Uncertain Significance. Experimental studies and prediction algorithms are not available or were not evaluated, and the functional significance of this variant is currently unknown. This variant has not been reported in the literature in individuals with COL18A1-related conditions. The frequency data for this variant in the population databases is considered unreliable, as metrics indicate poor data quality at this position in the ExAC database.